The following is an entry in ClinVar:

NM_004863.4(SPTLC2):c.880G>T (p.Asp294Tyr)

Gene: SPTLC2 (serine palmitoyltransferase long chain base subunit 2; minus strand). Cytogenetic location: 14q24.3.
Variant type: single nucleotide variant.
Coding change: c.880G>T on transcript NM_004863.4 (MANE Select); coding-DNA position 880, G replaced by T.
Protein change: p.Asp294Tyr; replaces aspartic acid 294 with tyrosine.
Molecular consequence: missense variant.
Genome position (GRCh38, 1-based): chr14:77,557,117, C>A on the plus strand (G>T on the coding strand, the complement: SPTLC2 is on the minus strand). VCF-style: chr14-77557117-C-A. GRCh37 (hg19) VCF-style: chr14-78023460-C-A.
Other names: short protein forms D294Y.
Identifiers: ClinVar variation 1764757 (VCV001764757.2), dbSNP rs1225849555, ClinGen allele CA390709899.

ClinVar aggregate classification (germline): Uncertain significance (1 of 4 stars; one submission).

Conditions:
Inborn genetic diseases. Identifiers: MedGen C0950123, MeSH D030342.

Allele frequency attached by ClinVar (database versions not stated): gnomAD exomes below 0.00001; gnomAD 0.00001; TOPMed 0.00001.

Submission:

Ambry Genetics
Classification: Uncertain significance for Inborn genetic diseases. Last evaluated: 2019-11-14. Review status: criteria provided, single submitter. Criteria: Ambry Variant Classification Scheme 2023. Collection method: clinical testing. Allele origin: germline.
Comment: The p.D294Y variant (also known as c.880G>T), located in coding exon 7 of the SPTLC2 gene, results from a G to T substitution at nucleotide position 880. The aspartic acid at codon 294 is replaced by tyrosine, an amino acid with highly dissimilar properties. This amino acid position is highly conserved in available vertebrate species. In addition, this alteration is predicted to be deleterious by in silico analysis. Since supporting evidence is limited at this time, the clinical significance of this alteration remains unclear.